The following is an entry in ClinVar:

ClinVar aggregate classification (germline): Uncertain significance (1 of 4 stars; one submission).

Submission:

CeGaT Center for Human Genetics Tuebingen
Classification: Uncertain significance. Last evaluated: 2025-09-01. Review status: criteria provided, single submitter. Criteria: CeGaT Center For Human Genetics Tuebingen Variant Classification Criteria Version 2. Collection method: clinical testing. Allele origin: germline. Affected: yes. Observed: 1 variant allele.
Comment: TTN: PM2, BP4

NM_001267550.2(TTN):c.59649T>A (p.Asp19883Glu)

Genes: TTN (titin; minus strand), TTN-AS1 (TTN antisense RNA 1; plus strand), LOC126806424 (CDK7 strongly-dependent group 2 enhancer GRCh37_chr2:179456337-179457536; plus strand). Cytogenetic location: 2q31.2.
Variant type: single nucleotide variant.
Coding change: c.59649T>A on transcript NM_001267550.2 (MANE Select); coding-DNA position 59649, T replaced by A.
Protein change: p.Asp19883Glu; replaces aspartic acid 19883 with glutamic acid.
Molecular consequence: missense variant.
Genome position (GRCh38, 1-based): chr2:178,592,255, A>T on the plus strand (T>A on the coding strand, the complement: TTN is on the minus strand). VCF-style: chr2-178592255-A-T. GRCh37 (hg19) VCF-style: chr2-179456982-A-T.
Other names: c.54726T>A, p.Asp18242Glu (NM_001256850.1); c.32454T>A, p.Asp10818Glu (NM_003319.4); c.51945T>A, p.Asp17315Glu (NM_133378.4); c.32829T>A, p.Asp10943Glu (NM_133432.3); c.33030T>A, p.Asp11010Glu (NM_133437.4); short protein forms D10818E, D10943E, D11010E, D17315E, D18242E, D19883E.
Identifiers: ClinVar variation 4281470 (VCV004281470.7).
Genomic context (GRCh38, chr2:178,592,255, plus strand): 5'-ATCCAGTGGTTCTTTCCAAGTAAGGTAACATGAATCTTTCCTAATTTCACTGACTTCCAG[A>T]TCTCTAGGTGGCCCAGGTTTATCTAAAAAGTGTTAAATAACAGTTTGATAAGTAATTTTA-3'
Protein context (NP_001254479.2, residues 19873-19893): LVLDKPGPPR[Asp19883Glu]LEVSEIRKDS